The following is an entry in ClinVar:

NM_001346249.2(RALGAPA1):c.1481G>A (p.Arg494Gln)

Gene: RALGAPA1 (Ral GTPase activating protein catalytic subunit alpha 1; minus strand). Cytogenetic location: 14q13.2.
Variant type: single nucleotide variant.
Coding change: c.1481G>A on transcript NM_001346249.2 (MANE Select); coding-DNA position 1481, G replaced by A.
Protein change: p.Arg494Gln; replaces arginine 494 with glutamine.
Molecular consequence: missense variant.
Genome position (GRCh38, 1-based): chr14:35,738,619, C>T on the plus strand (G>A on the coding strand, the complement: RALGAPA1 is on the minus strand). VCF-style: chr14-35738619-C-T. GRCh37 (hg19) VCF-style: chr14-36207825-C-T.
Other names: c.1481G>A, p.Arg494Gln (NM_014990.3, NM_194301.4, NM_001283043.3 and 7 more transcripts); short protein forms R494Q.
Identifiers: ClinVar variation 4088043 (VCV004088043.1).

ClinVar aggregate classification (germline): Uncertain significance (1 of 4 stars; one submission).

gnomAD v4.1: 90 of 1,612,118 alleles (0.0056%); highest among the groups gnomAD compares: Middle Eastern, 0.033%; no homozygotes.

Submission:

GeneDx
Classification: Uncertain significance. Last evaluated: 2025-03-28. Review status: criteria provided, single submitter. Criteria: GeneDx Variant Classification Process June 2021. Collection method: clinical testing. Allele origin: germline. Affected: yes.
Comment: In silico analysis supports that this missense variant has a deleterious effect on protein structure/function; Has not been previously published as pathogenic or benign to our knowledge